The following is an entry in ClinVar:

ClinVar aggregate classification (germline): Uncertain significance (1 of 4 stars; one submission).

Submission:

CeGaT Center for Human Genetics Tuebingen
Classification: Uncertain significance. Last evaluated: 2023-04-01. Review status: criteria provided, single submitter. Criteria: CeGaT Center For Human Genetics Tuebingen Variant Classification Criteria Version 2. Collection method: clinical testing. Allele origin: germline. Affected: yes. Observed: 1 variant allele.
Comment: CSMD3: PM2

NM_198123.2(CSMD3):c.2014T>G (p.Tyr672Asp)

Gene: CSMD3 (CUB and Sushi multiple domains 3; minus strand). Cytogenetic location: 8q23.3.
Variant type: single nucleotide variant.
Coding change: c.2014T>G on transcript NM_198123.2 (MANE Select); coding-DNA position 2014, T replaced by G.
Protein change: p.Tyr672Asp; replaces tyrosine 672 with aspartic acid.
Molecular consequence: missense variant.
Genome position (GRCh38, 1-based): chr8:112,690,009, A>C on the plus strand (T>G on the coding strand, the complement: CSMD3 is on the minus strand). VCF-style: chr8-112690009-A-C. GRCh37 (hg19) VCF-style: chr8-113702238-A-C.
Other names: c.1624T>G, p.Tyr542Asp (NM_001363185.1); c.1702T>G, p.Tyr568Asp (NM_052900.3); c.1894T>G, p.Tyr632Asp (NM_198124.2); short protein forms Y542D, Y568D, Y632D, Y672D.
Identifiers: ClinVar variation 2658764 (VCV002658764.24), dbSNP rs2537265131, ClinGen allele CA372057360.